The following is an entry in ClinVar:

NM_001278116.2(L1CAM):c.2018C>T (p.Thr673Ile)

Gene: L1CAM (L1 cell adhesion molecule; minus strand). Cytogenetic location: Xq28.
Variant type: single nucleotide variant.
Coding change: c.2018C>T on transcript NM_001278116.2 (MANE Select); coding-DNA position 2018, C replaced by T.
Protein change: p.Thr673Ile; replaces threonine 673 with isoleucine.
Molecular consequence: missense variant.
Genome position (GRCh38, 1-based): chrX:153,867,475, G>A on the plus strand (C>T on the coding strand, the complement: L1CAM is on the minus strand). VCF-style: chrX-153867475-G-A. GRCh37 (hg19) VCF-style: chrX-153132930-G-A.
Other names: c.2018C>T, p.Thr673Ile (NM_000425.5, NM_024003.3); c.2003C>T, p.Thr668Ile (NM_001143963.2); short protein forms T668I, T673I.
Identifiers: ClinVar variation 2695410 (VCV002695410.3), dbSNP rs2520991546, ClinGen allele CA415121957.

ClinVar aggregate classification (germline): Uncertain significance (1 of 4 stars; one submission).

Conditions:
Spastic paraplegia. Identifiers: MedGen C0037772, HP:0001258.

Submission:

Labcorp Genetics (formerly Invitae), Labcorp
Classification: Uncertain significance for Spastic paraplegia. Last evaluated: 2024-05-13. Review status: criteria provided, single submitter. Criteria: Invitae Variant Classification Sherloc (09022015). Collection method: clinical testing. Allele origin: germline.
Comment: This sequence change replaces threonine, which is neutral and polar, with isoleucine, which is neutral and non-polar, at codon 673 of the L1CAM protein (p.Thr673Ile). This variant is not present in population databases (gnomAD no frequency). This variant has not been reported in the literature in individuals affected with L1CAM-related conditions. Advanced modeling of protein sequence and biophysical properties (such as structural, functional, and spatial information, amino acid conservation, physicochemical variation, residue mobility, and thermodynamic stability) performed at Invitae indicates that this missense variant is not expected to disrupt L1CAM protein function with a negative predictive value of 95%. In summary, the available evidence is currently insufficient to determine the role of this variant in disease. Therefore, it has been classified as a Variant of Uncertain Significance.